The following is an entry in ClinVar:

NM_016562.4(TLR7):c.282C>T (p.Ile94=)

Gene: TLR7 (toll like receptor 7; plus strand). Cytogenetic location: Xp22.2.
Variant type: single nucleotide variant.
Coding change: c.282C>T on transcript NM_016562.4 (MANE Select); coding-DNA position 282, C replaced by T.
Protein change: p.Ile94=; no amino-acid change (isoleucine 94 retained).
Molecular consequence: synonymous variant.
Genome position (GRCh38, 1-based): chrX:12,885,790, C>T. VCF-style: chrX-12885790-C-T. GRCh37 (hg19) VCF-style: chrX-12903909-C-T.
Identifiers: ClinVar variation 2660016 (VCV002660016.26), dbSNP rs769698470, ClinGen allele CA10349914.

ClinVar aggregate classification (germline): Likely benign. Review status: criteria provided, multiple submitters, no conflicts (2 of 4 stars). 2 submissions from 2 submitters: Likely benign (2). Last evaluated 2024-04-25.

Allele frequency attached by ClinVar (database versions not stated): TOPMed below 0.00001; ExAC 0.00001; gnomAD 0.00002.
gnomAD v4.1: 29 of 1,210,279 alleles (0.0024%); highest among the groups gnomAD compares: South Asian, 0.039%; no homozygotes.

Submissions (2):

Labcorp Genetics (formerly Invitae), Labcorp
Classification: Likely benign. Last evaluated: 2024-04-25. Review status: criteria provided, single submitter. Criteria: Invitae Variant Classification Sherloc (09022015). Collection method: clinical testing. Allele origin: germline.

CeGaT Center for Human Genetics Tuebingen
Classification: Likely benign. Last evaluated: 2023-03-01. Review status: criteria provided, single submitter. Criteria: CeGaT Center For Human Genetics Tuebingen Variant Classification Criteria Version 2. Collection method: clinical testing. Allele origin: germline. Affected: yes. Observed: 1 variant allele.
Comment: TLR7: BP4, BP7